The following is an entry in ClinVar:

NM_001035.3(RYR2):c.527G>T (p.Arg176Leu)

Gene: RYR2 (ryanodine receptor 2; plus strand). Cytogenetic location: 1q43.
Variant type: single nucleotide variant.
Coding change: c.527G>T on transcript NM_001035.3 (MANE Select); coding-DNA position 527, G replaced by T.
Protein change: p.Arg176Leu; replaces arginine 176 with leucine.
Molecular consequence: missense variant.
Genome position (GRCh38, 1-based): chr1:237,377,386, G>T. VCF-style: chr1-237377386-G-T. GRCh37 (hg19) VCF-style: chr1-237540686-G-T.
Other names: p.R176L:CGA>CTA; c.527G>T, p.Arg176Leu (LRG_402t1); short protein forms R176L.
Identifiers: ClinVar variation 201195 (VCV000201195.15), dbSNP rs794728708, ClinGen allele CA009824.

ClinVar aggregate classification (germline): Pathogenic/Likely pathogenic. Review status: criteria provided, multiple submitters, no conflicts (2 of 4 stars). 3 submissions from 3 submitters: Pathogenic (1); Likely pathogenic (2). Last evaluated 2025-08-19.

Conditions:
RYR2-related disorder. Also called: RYR2-related condition.
Cardiovascular phenotype. Identifiers: MedGen CN230736.

Submissions (3):

GeneDx
Classification: Likely pathogenic. Last evaluated: 2025-08-19. Review status: criteria provided, single submitter. Criteria: GeneDx Variant Classification Process June 2021. Collection method: clinical testing. Allele origin: germline. Affected: yes.
Comment: Identified in a large Newfoundland family with index cases experiencing catecholaminergic polymorphic ventricular tachycardia (CPVT) or sudden cardiac arrest (Lauson et al. (2014)); extensive family genotyping and phenotyping revealed numerous carriers who were asymptomatic or had a history of syncope, indicating substantial phenotypic variability and lower than previously reported penetrance (PMID: 31994352); Not observed at significant frequency in large population cohorts (gnomAD); In silico analysis supports that this missense variant has a deleterious effect on protein structure/function; This variant is associated with the following publications: (PMID: 34760626, 19926015, 31994352, 35135837)

Blueprint Genetics
Classification: Pathogenic for RYR2-related disorders. Last evaluated: 2021-12-23. Review status: criteria provided, single submitter. Criteria: ACMG Guidelines, 2015. Collection method: clinical testing. Allele origin: germline. Affected: yes. Observed: 1 variant allele.

Ambry Genetics
Classification: Likely pathogenic for Cardiovascular phenotype. Last evaluated: 2016-06-06. Review status: criteria provided, single submitter. Criteria: Ambry Variant Classification Scheme 2023. Collection method: clinical testing. Allele origin: germline.
Comment: The p.R176L variant (also known as c.527G>T), located in coding exon 8 of the RYR2 gene, results from a G to T substitution at nucleotide position 527. The arginine at codon 176 is replaced by leucine, an amino acid with dissimilar properties. Although the p.R176L variant has not been reported previously, another alteration at the same position in RYR2, p.R176Q, has been identified in multiple individuals with arrhythmias (Tester DJ et al. Heart Rhythm. 2005;2(10):1099-105; Haugaa KH et al. Europace. 2010;12(3):417-23; Medeiros-Domingo A et al. J Am Coll Cardiol. 2009;54(22):2065-74). Furthermore, this alteration has been reported as occurring in a disease-associated hotspot loop of the RYR2 protein (Amador FJ et al. Proc Natl Acad Sci U.S.A. 2009;106(27):11040-4). The RYR2 p.R176L variant was not reported in population based cohorts in the following databases: Database of Single Nucleotide Polymorphisms (dbSNP), Exome Aggregation Consortium (ExAC), NHLBI Exome Sequencing Project (ESP), and 1000 Genomes Project. In the ESP, this variant was not observed in 6101 samples (12202 alleles) with coverage at this position. This amino acid position is completely conserved in available vertebrate species. In addition, this alteration is predicted to be deleterious by in silico analysis. Based on the majority of available evidence to date, this variant is likely to be pathogenic.

Literature cited by the submitters: PubMed 16188589 (cited by Ambry Genetics); PubMed 19541610 (cited by Ambry Genetics); PubMed 19926015 (cited by Ambry Genetics); PubMed 20106799 (cited by Ambry Genetics); PubMed 24136861 (cited by Ambry Genetics).